The following is an entry in ClinVar:

ClinVar aggregate classification (germline): Benign/Likely benign. Review status: criteria provided, multiple submitters, no conflicts (2 of 4 stars). 7 submissions from 7 submitters: Benign (4); Likely benign (1). 2 of the submissions do not count toward it. Last evaluated 2026-02-03.

Conditions:
Catecholaminergic polymorphic ventricular tachycardia 1. Also called: VENTRICULAR TACHYCARDIA, CATECHOLAMINERGIC POLYMORPHIC, 1, WITH OR WITHOUT ATRIAL DYSFUNCTION AND/OR DILATED CARDIOMYOPATHY; VENTRICULAR TACHYCARDIA, STRESS-INDUCED POLYMORPHIC 1; RYR2-Related Catecholaminergic Polymorphic Ventricular Tachycardia. Identifiers: Orphanet 3286, MedGen C1631597, MONDO:0011484, OMIM 604772.

Allele frequency attached by ClinVar (database versions not stated): gnomAD exomes 0.00021 and 0.00059; ExAC 0.00087; gnomAD 0.00223 and 0.00235; 1000 Genomes Project 30x 0.00234; 1000 Genomes Project 0.00240; TOPMed 0.00245; ESP Exome Variant Server 0.00267.
gnomAD v4.1: 650 of 1,568,528 alleles (0.041%); highest among the groups gnomAD compares: African/African-American, 0.82%; 6 homozygotes.

Submissions (7):

Labcorp Genetics (formerly Invitae), Labcorp
Classification: Benign for Catecholaminergic polymorphic ventricular tachycardia 1. Last evaluated: 2026-02-03. Review status: criteria provided, single submitter. Criteria: Invitae Variant Classification Sherloc (09022015). Collection method: clinical testing. Allele origin: germline.

Blueprint Genetics
Classification: Likely benign. Last evaluated: 2024-08-28. Review status: criteria provided, single submitter. Criteria: ACMG Guidelines, 2015. Collection method: clinical testing. Allele origin: germline.

Women's Health and Genetics/Laboratory Corporation of America, LabCorp
Classification: Benign. Last evaluated: 2023-05-06. Review status: criteria provided, single submitter. Criteria: LabCorp Variant Classification Summary - May 2015. Collection method: clinical testing. Allele origin: germline.

ARUP Laboratories, Molecular Genetics and Genomics, ARUP Laboratories
Classification: Benign. Last evaluated: 2019-03-03. Review status: criteria provided, single submitter. Criteria: ARUP Molecular Germline Variant Investigation Process. Collection method: clinical testing. Allele origin: germline.

GeneDx
Classification: Benign. Last evaluated: 2014-06-19. Review status: criteria provided, single submitter. Criteria: GeneDx Variant Classification (06012015). Collection method: clinical testing. Allele origin: germline. Affected: yes.
Comment: This variant is considered likely benign or benign based on one or more of the following criteria: it is a conservative change, it occurs at a poorly conserved position in the protein, it is predicted to be benign by multiple in silico algorithms, and/or has population frequency not consistent with disease.

Diagnostic Laboratory, Department of Genetics, University Medical Center Groningen
Classification: Likely benign. Review status: no assertion criteria provided. Collection method: clinical testing. Allele origin: germline. Affected: yes. Study: VKGL Data-share Consensus. Not counted in ClinVar's aggregate classification.

Genome Diagnostics Laboratory, University Medical Center Utrecht
Classification: Benign. Review status: no assertion criteria provided. Collection method: clinical testing. Allele origin: germline. Affected: yes. Study: VKGL Data-share Consensus. Not counted in ClinVar's aggregate classification.

NM_001035.3(RYR2):c.2204-16G>T

Gene: RYR2 (ryanodine receptor 2; plus strand). Cytogenetic location: 1q43.
Variant type: single nucleotide variant.
Coding change: c.2204-16G>T on transcript NM_001035.3 (MANE Select); 16 bases into the intron before coding-DNA position 2204, G replaced by T.
Molecular consequence: intron variant.
Genome position (GRCh38, 1-based): chr1:237,500,695, G>T. VCF-style: chr1-237500695-G-T. GRCh37 (hg19) VCF-style: chr1-237663995-G-T.
Other names: c.2204-16G>T (LRG_402t1).
Identifiers: ClinVar variation 201161 (VCV000201161.20), dbSNP rs368648602, ClinGen allele CA008715.
Genomic context (GRCh38, chr1:237,500,695, plus strand): 5'-TTTTGACTTTGGCTCTGAAGCTGATTCTCTGAGATAAAAAAATACATGACCTTCCTTAAT[G>T]TTTTCCCCCCAATAGGTTGTATTGCTCGTACTGTAAGCTCACCAAACCAACATCTGTTAA-3'